The following is an entry in ClinVar:

ClinVar aggregate classification (germline): Benign. Review status: criteria provided, multiple submitters, no conflicts (2 of 4 stars). 3 submissions from 3 submitters: Benign (2). 1 of the submissions does not count toward it. Last evaluated 2026-01-24.

Conditions:
WBP2-related disorder. Also called: WBP2-related condition.

Allele frequency attached by ClinVar (database versions not stated): ExAC 0.00390; gnomAD 0.01275 and 0.01350; ESP Exome Variant Server 0.01282; TOPMed 0.01391; 1000 Genomes Project 0.01637; 1000 Genomes Project 30x 0.01796.
gnomAD v4.1: 3,825 of 1,612,886 alleles (0.24%); highest among the groups gnomAD compares: African/African-American, 4.3%; 80 homozygotes.

Submissions (20):

Labcorp Genetics (formerly Invitae), Labcorp
Classification: Benign. Last evaluated: 2026-01-24. Review status: criteria provided, single submitter. Criteria: Invitae Variant Classification Sherloc (09022015). Collection method: clinical testing. Allele origin: germline.

Breakthrough Genomics
Classification: Benign. Review status: criteria provided, single submitter. Criteria: ACMG Guidelines, 2015. Collection method: not provided. Allele origin: germline. Inheritance: Autosomal recessive inheritance. Affected: yes.

PreventionGenetics, part of Exact Sciences
Classification: Benign for WBP2-related condition. Last evaluated: 2019-04-09. Review status: no assertion criteria provided. Collection method: clinical testing. Allele origin: germline. Not counted in ClinVar's aggregate classification.
Comment: This variant is classified as benign based on ACMG/AMP sequence variant interpretation guidelines (Richards et al. 2015 PMID: 25741868, with internal and published modifications).

Dr. Peter K. Rogan Lab, Western University
No classification provided (evidence only). Condition: Lung cancer. Review status: no classification provided. Collection method: in vitro. Allele origin: not applicable. Functional consequence: cryptic splice site, retained intron. Not counted in ClinVar's aggregate classification.

Dr. Peter K. Rogan Lab, Western University
No classification provided (evidence only). Condition: Lung cancer. Review status: no classification provided. Collection method: in vitro. Allele origin: not applicable. Functional consequence: cryptic splice site, retained intron. Not counted in ClinVar's aggregate classification.

Dr. Peter K. Rogan Lab, Western University
No classification provided (evidence only). Condition: Familial cancer of breast. Review status: no classification provided. Collection method: in vitro. Allele origin: not applicable. Functional consequence: cryptic splice site, retained intron. Not counted in ClinVar's aggregate classification.

Dr. Peter K. Rogan Lab, Western University
No classification provided (evidence only). Condition: Familial cancer of breast. Review status: no classification provided. Collection method: in vitro. Allele origin: not applicable. Functional consequence: cryptic splice site, retained intron. Not counted in ClinVar's aggregate classification.

Dr. Peter K. Rogan Lab, Western University
No classification provided (evidence only). Condition: Familial cancer of breast. Review status: no classification provided. Collection method: in vitro. Allele origin: not applicable. Functional consequence: cryptic splice site. Not counted in ClinVar's aggregate classification.

Dr. Peter K. Rogan Lab, Western University
No classification provided (evidence only). Condition: Acute myeloid leukemia. Review status: no classification provided. Collection method: in vitro. Allele origin: not applicable. Functional consequence: cryptic splice site, retained intron. Not counted in ClinVar's aggregate classification.

Dr. Peter K. Rogan Lab, Western University
No classification provided (evidence only). Condition: Acute myeloid leukemia. Review status: no classification provided. Collection method: in vitro. Allele origin: not applicable. Functional consequence: cryptic splice site, retained intron. Not counted in ClinVar's aggregate classification.

Dr. Peter K. Rogan Lab, Western University
No classification provided (evidence only). Condition: Acute myeloid leukemia. Review status: no classification provided. Collection method: in vitro. Allele origin: not applicable. Functional consequence: retained intron. Not counted in ClinVar's aggregate classification.

Dr. Peter K. Rogan Lab, Western University
No classification provided (evidence only). Condition: Uterine corpus endometrial carcinoma. Review status: no classification provided. Collection method: in vitro. Allele origin: not applicable. Functional consequence: cryptic splice site, retained intron. Not counted in ClinVar's aggregate classification.

Dr. Peter K. Rogan Lab, Western University
No classification provided (evidence only). Condition: Uterine corpus endometrial carcinoma. Review status: no classification provided. Collection method: in vitro. Allele origin: not applicable. Functional consequence: cryptic splice site, retained intron. Not counted in ClinVar's aggregate classification.

Dr. Peter K. Rogan Lab, Western University
No classification provided (evidence only). Condition: Uterine corpus endometrial carcinoma. Review status: no classification provided. Collection method: in vitro. Allele origin: not applicable. Functional consequence: cryptic splice site. Not counted in ClinVar's aggregate classification.

Dr. Peter K. Rogan Lab, Western University
No classification provided (evidence only). Condition: Uterine corpus endometrial carcinoma. Review status: no classification provided. Collection method: in vitro. Allele origin: not applicable. Functional consequence: cryptic splice site, retained intron. Not counted in ClinVar's aggregate classification.

Dr. Peter K. Rogan Lab, Western University
No classification provided (evidence only). Condition: Uterine corpus endometrial carcinoma. Review status: no classification provided. Collection method: in vitro. Allele origin: not applicable. Functional consequence: cryptic splice site. Not counted in ClinVar's aggregate classification.

Dr. Peter K. Rogan Lab, Western University
No classification provided (evidence only). Condition: Uterine corpus endometrial carcinoma. Review status: no classification provided. Collection method: in vitro. Allele origin: not applicable. Functional consequence: cryptic splice site. Not counted in ClinVar's aggregate classification.

Dr. Peter K. Rogan Lab, Western University
No classification provided (evidence only). Condition: Sarcoma. Review status: no classification provided. Collection method: in vitro. Allele origin: not applicable. Functional consequence: cryptic splice site. Not counted in ClinVar's aggregate classification.

Dr. Peter K. Rogan Lab, Western University
No classification provided (evidence only). Condition: Sarcoma. Review status: no classification provided. Collection method: in vitro. Allele origin: not applicable. Functional consequence: cryptic splice site. Not counted in ClinVar's aggregate classification.

Dr. Peter K. Rogan Lab, Western University
No classification provided (evidence only). Condition: Thymoma. Review status: no classification provided. Collection method: in vitro. Allele origin: not applicable. Functional consequence: cryptic splice site, retained intron. Not counted in ClinVar's aggregate classification.

NM_012478.4(WBP2):c.533-6G>A

Gene: WBP2 (WW domain binding protein 2; minus strand). Cytogenetic location: 17q25.1.
Variant type: single nucleotide variant.
Coding change: c.533-6G>A on transcript NM_012478.4 (MANE Select); 6 bases into the intron before coding-DNA position 533, G replaced by A.
Molecular consequence: intron variant.
Genome position (GRCh38, 1-based): chr17:75,847,615, C>T on the plus strand (G>A on the coding strand, the complement: WBP2 is on the minus strand). VCF-style: chr17-75847615-C-T. GRCh37 (hg19) VCF-style: chr17-73843696-C-T.
Other names: c.533-6G>A (NM_001348170.1); c.398-6G>A (NM_001330499.2).
Identifiers: ClinVar variation 781331 (VCV000781331.14), dbSNP rs140112945, ClinGen allele CA8773862.
Genomic context (GRCh38, chr17:75,847,615, plus strand): 5'-GGGGGCTGCACGTATCCCATGGCCCCGTCCATCATGGGGGGTCCTGGATAGAACTCTGCT[C>T]GGTGAGAGAGTAACAAGGACATGGTGAGCACCCGGCTGCGGCCCCCTCCCGGGTGAGGGG-3'